The following is an entry in ClinVar:

NM_004793.4(LONP1):c.1812G>A (p.Ser604=)

Gene: LONP1 (lon peptidase 1, mitochondrial; minus strand). Cytogenetic location: 19p13.3.
Variant type: single nucleotide variant.
Coding change: c.1812G>A on transcript NM_004793.4 (MANE Select); coding-DNA position 1812, G replaced by A.
Protein change: p.Ser604=; no amino-acid change (serine 604 retained).
Molecular consequence: synonymous variant. On other transcripts: non-coding transcript variant (1).
Genome position (GRCh38, 1-based): chr19:5,696,333, C>T on the plus strand (G>A on the coding strand, the complement: LONP1 is on the minus strand). VCF-style: chr19-5696333-C-T. GRCh37 (hg19) VCF-style: chr19-5696344-C-T.
Other names: c.1620G>A, p.Ser540= (NM_001276479.2); c.1224G>A, p.Ser408= (NM_001276480.1).
Identifiers: ClinVar variation 1531338 (VCV001531338.32), dbSNP rs142511312, ClinGen allele CA9114463.

ClinVar aggregate classification (germline): Likely benign. Review status: criteria provided, multiple submitters, no conflicts (2 of 4 stars). 2 submissions from 2 submitters: Likely benign (2). Last evaluated 2025-11-01.

gnomAD v4.1: 56 of 1,613,184 alleles (0.0035%); highest among the groups gnomAD compares: Middle Eastern, 0.033%; no homozygotes.

Submissions (2):

CeGaT Center for Human Genetics Tuebingen
Classification: Likely benign. Last evaluated: 2025-11-01. Review status: criteria provided, single submitter. Criteria: CeGaT Center For Human Genetics Tuebingen Variant Classification Criteria Version 2. Collection method: clinical testing. Allele origin: germline. Affected: yes. Observed: 3 variant alleles.
Comment: LONP1: BP4, BP7

Labcorp Genetics (formerly Invitae), Labcorp
Classification: Likely benign. Last evaluated: 2023-10-22. Review status: criteria provided, single submitter. Criteria: Invitae Variant Classification Sherloc (09022015). Collection method: clinical testing. Allele origin: germline.